The following is an entry in ClinVar:

ClinVar aggregate classification (germline): Pathogenic. Review status: criteria provided, multiple submitters, no conflicts (2 of 4 stars). 5 submissions from 5 submitters: Pathogenic (4). 1 of the submissions does not count toward it. Last evaluated 2021-09-18.

Conditions:
TTR-related disorder. Also called: TTR-related disorders; TTR-related condition.
Amyloidosis, hereditary systemic 1 (AMYLD1). Also called: Hereditary oculoleptomeningeal amyloid angiopathy; Familial Transthyretin Amyloidosis; Transthyretin Amyloidosis; Familial amyloid polyneuropathy; Hereditary Transthyretin Amyloidosis; AMYLOID CARDIOMYOPATHY. Identifiers: Orphanet 85447, Orphanet 85451, MedGen C2751492, MONDO:0971004, OMIM 105210.

Submissions (5):

Labcorp Genetics (formerly Invitae), Labcorp
Classification: Pathogenic for Amyloidosis, hereditary systemic 1. Last evaluated: 2021-09-18. Review status: criteria provided, single submitter. Criteria: Invitae Variant Classification Sherloc (09022015). Collection method: clinical testing. Allele origin: germline.
Comment: This variant disrupts the p.Val50 amino acid residue in TTR. Other variant(s) that disrupt this residue have been determined to be pathogenic (PMID: 22620962, 22745357, 23833285, 24455802, 24555660, 26115788). This suggests that this residue is clinically significant, and that variants that disrupt this residue are likely to be disease-causing. For these reasons, this variant has been classified as Pathogenic. Experimental studies have shown that this missense change affects TTR protein function (PMID: 23523753). This sequence change replaces valine with alanine at codon 50 of the TTR protein (p.Val50Ala). The valine residue is highly conserved and there is a small physicochemical difference between valine and alanine. This variant is not present in population databases (ExAC no frequency). This missense change has been observed in individual(s) with hereditary transthyretin-mediated amyloidosis (hATTR amyloidosis) (PMID: 1544214, 12757474, 17503405, 22745357, 26521788). This variant is also known as Val30Ala. ClinVar contains an entry for this variant (Variation ID: 13430). Advanced modeling of protein sequence and biophysical properties (such as structural, functional, and spatial information, amino acid conservation, physicochemical variation, residue mobility, and thermodynamic stability) performed at Invitae indicates that this missense variant is expected to disrupt TTR protein function.

Blueprint Genetics
Classification: Pathogenic for TTR-related disorders. Last evaluated: 2021-03-18. Review status: criteria provided, single submitter. Criteria: ACMG Guidelines, 2015. Collection method: clinical testing. Allele origin: germline. Affected: yes. Observed: 1 variant allele.

Women's Health and Genetics/Laboratory Corporation of America, LabCorp
Classification: Pathogenic for Amyloidogenic transthyretin amyloidosis. Last evaluated: 2019-10-31. Review status: criteria provided, single submitter. Criteria: LabCorp Variant Classification Summary - May 2015. Collection method: clinical testing. Allele origin: germline.
Comment: Variant summary: TTR c.149T>C (p.Val50Ala) results in a non-conservative amino acid change located in the Transthyretin/hydroxyisourate hydrolase domain (IPR023416) of the encoded protein sequence. Three of five in-silico tools predict a damaging effect of the variant on protein function. The variant was absent in 251462 control chromosomes (gnomAD). c.149T>C has been reported in the literature in multiple individuals affected with Transthyretin Amyloidosis (e.g. Liu_2017, Meng_2015, Nepomuceno_2004, Suhr_2016). These data indicate that the variant is very likely to be associated with disease. Experimental evidence evaluating an impact on protein function suggest that the variant promotes the formation of unfolded monomers and amyloid fibrils, which potentially contribute to increased neurotoxicity and pathology (Zhang_2013). No clinical diagnostic laboratories have submitted clinical-significance assessments for this variant to ClinVar after 2014. Based on the evidence outlined above, the variant was classified as pathogenic.

Juno Genomics, Hangzhou Juno Genomics, Inc
Classification: Pathogenic for Amyloidosis, hereditary systemic 1. Review status: criteria provided, single submitter. Criteria: ACMG Guidelines, 2015. Collection method: clinical testing. Allele origin: germline.
Comment: Absent from controls (or at extremely low frequency if recessive) in Genome Aggregation Database.;The prevalence of the variant in affected individuals is significantly increased compared to the prevalence in controls.;Patient's phenotype or family history is highly specific for a disease with a single genetic etiology.;Novel missense change at an amino acid residue where a different missense change determined to be pathogenic has been seen before.;Well-established in vitro or in vivo functional studies supportive of a damaging effect on the gene or gene product.

OMIM
Classification: Pathogenic for AMYLOIDOSIS, HEREDITARY SYSTEMIC 1. Last evaluated: 1992-02-01. Review status: no assertion criteria provided. Collection method: literature only. Allele origin: germline. Not counted in ClinVar's aggregate classification.

Literature cited by the submitters: PubMed 22620962 (cited by Labcorp Genetics (formerly Invitae), Labcorp); PubMed 22745357 (cited by Labcorp Genetics (formerly Invitae), Labcorp); PubMed 23833285 (cited by Labcorp Genetics (formerly Invitae), Labcorp); PubMed 24455802 (cited by Labcorp Genetics (formerly Invitae), Labcorp); PubMed 24555660 (cited by Labcorp Genetics (formerly Invitae), Labcorp); PubMed 26115788 (cited by Labcorp Genetics (formerly Invitae), Labcorp); PubMed 23523753 (cited by Labcorp Genetics (formerly Invitae), Labcorp and Women's Health and Genetics/Laboratory Corporation of America, LabCorp); PubMed 1544214 (cited by Labcorp Genetics (formerly Invitae), Labcorp and OMIM); PubMed 12757474 (cited by Labcorp Genetics (formerly Invitae), Labcorp); PubMed 17503405 (cited by Labcorp Genetics (formerly Invitae), Labcorp); PubMed 26521788 (cited by Labcorp Genetics (formerly Invitae), Labcorp and Women's Health and Genetics/Laboratory Corporation of America, LabCorp); PubMed 26656838 (cited by Women's Health and Genetics/Laboratory Corporation of America, LabCorp); PubMed 27859927 (cited by Women's Health and Genetics/Laboratory Corporation of America, LabCorp); PubMed 15205369 (cited by Women's Health and Genetics/Laboratory Corporation of America, LabCorp); PubMed 20301373 (cited by Women's Health and Genetics/Laboratory Corporation of America, LabCorp); PubMed 1850191 (cited by OMIM).

NM_000371.4(TTR):c.149T>C (p.Val50Ala)

Gene: TTR (transthyretin; plus strand). Cytogenetic location: 18q12.1.
Variant type: single nucleotide variant.
Coding change: c.149T>C on transcript NM_000371.4 (MANE Select); coding-DNA position 149, T replaced by C.
Protein change: p.Val50Ala; replaces valine 50 with alanine.
Molecular consequence: missense variant.
Genome position (GRCh38, 1-based): chr18:31,592,975, T>C. VCF-style: chr18-31592975-T-C. GRCh37 (hg19) VCF-style: chr18-29172938-T-C.
Other names: V30A; short protein forms V50A.
Identifiers: ClinVar variation 13430 (VCV000013430.11), dbSNP rs79977247, ClinGen allele CA256810.